The following is an entry in ClinVar:

ClinVar aggregate classification (germline): Uncertain significance (1 of 4 stars; one submission).

Conditions:
POMC-related disorder. Also called: POMC-related disorders; POMC-related condition.

Submission:

PreventionGenetics, part of Exact Sciences
Classification: Uncertain significance for POMC-related condition. Last evaluated: 2024-12-04. Review status: criteria provided, single submitter. Criteria: ACMG Guidelines, 2015. Collection method: clinical testing. Allele origin: germline.
Comment: The POMC c.486C>A variant is predicted to result in the amino acid substitution p.Asn162Lys. To our knowledge, this variant has not been reported in the literature or in a large population database (gnomAD), indicating this variant is rare. At this time, the clinical significance of this variant is uncertain due to the absence of conclusive functional and genetic evidence.

NM_000939.4(POMC):c.486C>A (p.Asn162Lys)

Gene: POMC (proopiomelanocortin; minus strand). Cytogenetic location: 2p23.3.
Variant type: single nucleotide variant.
Coding change: c.486C>A on transcript NM_000939.4 (MANE Select); coding-DNA position 486, C replaced by A.
Protein change: p.Asn162Lys; replaces asparagine 162 with lysine.
Molecular consequence: missense variant.
Genome position (GRCh38, 1-based): chr2:25,161,399, G>T on the plus strand (C>A on the coding strand, the complement: POMC is on the minus strand). VCF-style: chr2-25161399-G-T. GRCh37 (hg19) VCF-style: chr2-25384268-G-T.
Other names: c.486C>A, p.Asn162Lys (NM_001035256.3, NM_001319204.2, NM_001319205.2); short protein forms N162K.
Identifiers: ClinVar variation 4997482 (VCV004997482.1).